The following is an entry in ClinVar:

ClinVar aggregate classification (germline): Uncertain significance (1 of 4 stars; one submission).

Submission:

Labcorp Genetics (formerly Invitae), Labcorp
Classification: Uncertain significance. Last evaluated: 2023-11-27. Review status: criteria provided, single submitter. Criteria: Invitae Variant Classification Sherloc (09022015). Collection method: clinical testing. Allele origin: germline.
Comment: This sequence change replaces leucine, which is neutral and non-polar, with proline, which is neutral and non-polar, at codon 525 of the SEMA4A protein (p.Leu525Pro). This variant is not present in population databases (gnomAD no frequency). This variant has not been reported in the literature in individuals affected with SEMA4A-related conditions. ClinVar contains an entry for this variant (Variation ID: 1486548). Advanced modeling of protein sequence and biophysical properties (such as structural, functional, and spatial information, amino acid conservation, physicochemical variation, residue mobility, and thermodynamic stability) performed at Invitae indicates that this missense variant is not expected to disrupt SEMA4A protein function with a negative predictive value of 80%. In summary, the available evidence is currently insufficient to determine the role of this variant in disease. Therefore, it has been classified as a Variant of Uncertain Significance.

NM_022367.4(SEMA4A):c.1574T>C (p.Leu525Pro)

Gene: SEMA4A (semaphorin 4A; plus strand). Cytogenetic location: 1q22.
Variant type: single nucleotide variant.
Coding change: c.1574T>C on transcript NM_022367.4 (MANE Select); coding-DNA position 1574, T replaced by C.
Protein change: p.Leu525Pro; replaces leucine 525 with proline.
Molecular consequence: missense variant.
Genome position (GRCh38, 1-based): chr1:156,175,225, T>C. VCF-style: chr1-156175225-T-C. GRCh37 (hg19) VCF-style: chr1-156145016-T-C.
Other names: c.1574T>C, p.Leu525Pro (NM_001193300.2, NM_001193301.2, NM_001370567.1); c.1178T>C, p.Leu393Pro (NM_001193302.2); c.1277T>C, p.Leu426Pro (NM_001370568.1); c.1067T>C, p.Leu356Pro (NM_001370569.1, NM_001370571.1); short protein forms L525P, L393P, L426P, L356P.
Identifiers: ClinVar variation 1486548 (VCV001486548.8), dbSNP rs1019203016, ClinGen allele CA342809715.